The following is an entry in ClinVar:

ClinVar aggregate classification (germline): Uncertain significance (1 of 4 stars; one submission).

Submission:

Labcorp Genetics (formerly Invitae), Labcorp
Classification: Uncertain significance. Last evaluated: 2025-04-14. Review status: criteria provided, single submitter. Criteria: Invitae Variant Classification Sherloc (09022015). Collection method: clinical testing. Allele origin: germline.
Comment: This sequence change replaces serine, which is neutral and polar, with isoleucine, which is neutral and non-polar, at codon 1531 of the ITPR1 protein (p.Ser1531Ile). This variant is not present in population databases (gnomAD no frequency). This variant has not been reported in the literature in individuals affected with ITPR1-related conditions. Invitae Evidence Modeling of protein sequence and biophysical properties (such as structural, functional, and spatial information, amino acid conservation, physicochemical variation, residue mobility, and thermodynamic stability) indicates that this missense variant is not expected to disrupt ITPR1 protein function with a negative predictive value of 95%. In summary, the available evidence is currently insufficient to determine the role of this variant in disease. Therefore, it has been classified as a Variant of Uncertain Significance.

NM_001378452.1(ITPR1):c.4664G>T (p.Ser1555Ile)

Genes: BRRIAR (BHLHE40 and RIG-I regulating ITPR1 antisense RNA; minus strand), ITPR1 (inositol 1,4,5-trisphosphate receptor type 1; plus strand). Cytogenetic location: 3p26.1.
Variant type: single nucleotide variant.
Coding change: c.4664G>T on transcript NM_001378452.1 (MANE Select); coding-DNA position 4664, G replaced by T.
Protein change: p.Ser1555Ile; replaces serine 1555 with isoleucine.
Molecular consequence: missense variant.
Genome position (GRCh38, 1-based): chr3:4,706,173, G>T. VCF-style: chr3-4706173-G-T. GRCh37 (hg19) VCF-style: chr3-4747857-G-T.
Other names: c.4637G>T, p.Ser1546Ile (NM_001099952.4); c.4619G>T, p.Ser1540Ile (NM_001168272.2); c.4592G>T, p.Ser1531Ile (NM_002222.7); short protein forms S1531I, S1540I, S1546I, S1555I.
Identifiers: ClinVar variation 4804592 (VCV004804592.1).
Genomic context (GRCh38, chr3:4,706,173, plus strand): 5'-TAGGGTGTCCCCCATAAAAGTTGTAGGCTCACGACTCATCTTTCTCCTGTGCAGCCAAGA[G>T]CCGGGCCATTGCCATTCCCGTGGACCTGGACAGCCAAGTCAACAACCTCTTTCTCAAGTC-3'
Protein context (NP_001365381.1, residues 1545-1565): CIRVLSDVAK[Ser1555Ile]RAIAIPVDLD